The following is an entry in ClinVar:

ClinVar aggregate classification (germline): Likely benign. Review status: criteria provided, multiple submitters, no conflicts (2 of 4 stars). 2 submissions from 2 submitters: Likely benign (2). Last evaluated 2025-12-15.

Allele frequency attached by ClinVar (database versions not stated): gnomAD exomes below 0.00001 and 0.00001; ExAC 0.00001; gnomAD 0.00001.
gnomAD v4.1: 6 of 1,607,786 alleles (0.00037%); highest among the groups gnomAD compares: Non-Finnish European, 0.00051%; no homozygotes.

Submissions (2):

Labcorp Genetics (formerly Invitae), Labcorp
Classification: Likely benign. Last evaluated: 2025-12-15. Review status: criteria provided, single submitter. Criteria: Invitae Variant Classification Sherloc (09022015). Collection method: clinical testing. Allele origin: germline.

Laboratory for Molecular Medicine, Mass General Brigham Personalized Medicine
Classification: Likely benign. Last evaluated: 2016-10-06. Review status: criteria provided, single submitter. Criteria: LMM Criteria. Collection method: clinical testing. Allele origin: germline. Observed: 1 variant allele.
Comment: c.1555-15C>T in intron 13 of MYO7A: This variant is not expected to have clinica l significance because a C>T change at this position does not diverge from the s plice consensus sequence and is therefore unlikely to impact splicing. It has be en identified in 1/66118 European chromosomes by the Exome Aggregation Consortiu m (ExAC; dbSNP rs782573211).

NM_000260.4(MYO7A):c.1555-15C>T

Gene: MYO7A (myosin VIIA; plus strand). Cytogenetic location: 11q13.5.
Variant type: single nucleotide variant.
Coding change: c.1555-15C>T on transcript NM_000260.4 (MANE Select); 15 bases into the intron before coding-DNA position 1555, C replaced by T.
Molecular consequence: intron variant.
Genome position (GRCh38, 1-based): chr11:77,162,838, C>T. VCF-style: chr11-77162838-C-T. GRCh37 (hg19) VCF-style: chr11-76873884-C-T.
Other names: c.1522-15C>T (NM_001369365.1); c.1555-15C>T (NM_001127180.2).
Identifiers: ClinVar variation 505285 (VCV000505285.11), dbSNP rs782573211, ClinGen allele CA6197519.